The following is an entry in ClinVar:

ClinVar aggregate classification (germline): Uncertain significance (1 of 4 stars; one submission).

Conditions:
Autosomal dominant spastic paraplegia type 9. Identifiers: MedGen C1832669, MONDO:0015091.
de Barsy syndrome. Also called: Cutis laxa-corneal clouding-oligophrenia syndrome. Identifiers: Orphanet 2962, MedGen C0268354, MONDO:0017569.
Cutis laxa, autosomal dominant 3 (ADCL3). Identifiers: Orphanet 90348, MedGen C4225268, MONDO:0014706, OMIM 616603.

Allele frequency attached by ClinVar (database versions not stated): gnomAD 0.00001; TOPMed 0.00001; gnomAD exomes 0.00001.

Submission:

Labcorp Genetics (formerly Invitae), Labcorp
Classification: Uncertain significance for Autosomal dominant spastic paraplegia type 9; de Barsy syndrome; Cutis laxa, autosomal dominant 3. Last evaluated: 2025-12-15. Review status: criteria provided, single submitter. Criteria: Invitae Variant Classification Sherloc (09022015). Collection method: clinical testing. Allele origin: germline.
Comment: This sequence change replaces arginine, which is basic and polar, with cysteine, which is neutral and slightly polar, at codon 55 of the ALDH18A1 protein (p.Arg55Cys). This variant is not present in population databases (gnomAD no frequency). This variant has not been reported in the literature in individuals affected with ALDH18A1-related conditions. ClinVar contains an entry for this variant (Variation ID: 2932406). An algorithm developed to predict the effect of missense changes on protein structure and function (PolyPhen-2) suggests that this variant is likely to be disruptive. In summary, the available evidence is currently insufficient to determine the role of this variant in disease. Therefore, it has been classified as a Variant of Uncertain Significance.

NM_002860.4(ALDH18A1):c.163C>T (p.Arg55Cys)

Gene: ALDH18A1 (aldehyde dehydrogenase 18 family member A1; minus strand). Cytogenetic location: 10q24.1.
Variant type: single nucleotide variant.
Coding change: c.163C>T on transcript NM_002860.4 (MANE Select); coding-DNA position 163, C replaced by T.
Protein change: p.Arg55Cys; replaces arginine 55 with cysteine.
Molecular consequence: missense variant. On other transcripts: intron variant (4).
Genome position (GRCh38, 1-based): chr10:95,643,132, G>A on the plus strand (C>T on the coding strand, the complement: ALDH18A1 is on the minus strand). VCF-style: chr10-95643132-G-A. GRCh37 (hg19) VCF-style: chr10-97402889-G-A.
Other names: c.163C>T, p.Arg55Cys (NM_001017423.2, NM_001323413.2, NM_001323414.2 and 2 more transcripts); c.-78-9483C>T (NM_001323419.2); c.-30-5696C>T (NM_001323412.2, NM_001323418.2, NM_001323416.2); short protein forms R55C.
Identifiers: ClinVar variation 2932406 (VCV002932406.3), dbSNP rs2097895038, ClinGen allele CA377708145.
Genomic context (GRCh38, chr10:95,643,132, plus strand): 5'-CCACGATTCTCTTGGCATGCTTCAGCTCACTGCGGTGGGCGAAGGACTTGCCATGTGTAC[G>A]ACTGAGGGGTACAGTGATAAACGGGATGTTGCTCCAAGAACGAACATGTCTGATGACTGA-3'
Protein context (NP_002851.2, residues 45-65): NIPFITVPLS[Arg55Cys]THGKSFAHRS